The following is an entry in ClinVar:

NM_005026.5(PIK3CD):c.252C>T (p.Asp84=)

Gene: PIK3CD (phosphatidylinositol-4,5-bisphosphate 3-kinase catalytic subunit delta; plus strand). Cytogenetic location: 1p36.22.
Variant type: single nucleotide variant.
Coding change: c.252C>T on transcript NM_005026.5 (MANE Select); coding-DNA position 252, C replaced by T.
Protein change: p.Asp84=; no amino-acid change (aspartic acid 84 retained).
Molecular consequence: synonymous variant.
Genome position (GRCh38, 1-based): chr1:9,715,651, C>T. VCF-style: chr1-9715651-C-T. GRCh37 (hg19) VCF-style: chr1-9775709-C-T.
Other names: c.252C>T, p.Asp84= (NM_001350234.2, NM_001350235.1).
Identifiers: ClinVar variation 1166707 (VCV001166707.25), dbSNP rs755377648, ClinGen allele CA576817.

ClinVar aggregate classification (germline): Benign/Likely benign. Review status: criteria provided, multiple submitters, no conflicts (2 of 4 stars). 2 submissions from 2 submitters: Benign (1); Likely benign (1). Last evaluated 2026-01-20.

Conditions:
Immunodeficiency 14 (IMD14A). Also called: p110-DELTA-ACTIVATING MUTATION CAUSING SENESCENT T CELLS, LYMPHADENOPATHY, AND IMMUNODEFICIENCY; Activated PI3K Delta Syndrome Type 1 (APDS1); IMMUNODEFICIENCY 14A WITH LYMPHOPROLIFERATION, AUTOSOMAL DOMINANT; ACTIVATED PI3K-DELTA SYNDROME 1. Identifiers: Orphanet 397596, Orphanet 693661, MedGen C5907821, MONDO:0014222, OMIM 615513.

Allele frequency attached by ClinVar (database versions not stated): gnomAD 0.00001; TOPMed 0.00003; gnomAD exomes 0.00004 and 0.00014; ExAC 0.00016.
gnomAD v4.1: 61 of 1,613,630 alleles (0.0038%); highest among the groups gnomAD compares: Admixed American, 0.042%; 1 homozygote.

Submissions (2):

Labcorp Genetics (formerly Invitae), Labcorp
Classification: Benign for Activated PI3K-delta syndrome. Last evaluated: 2026-01-20. Review status: criteria provided, single submitter. Criteria: Invitae Variant Classification Sherloc (09022015). Collection method: clinical testing. Allele origin: germline.

CeGaT Center for Human Genetics Tuebingen
Classification: Likely benign. Last evaluated: 2024-07-01. Review status: criteria provided, single submitter. Criteria: CeGaT Center For Human Genetics Tuebingen Variant Classification Criteria Version 2. Collection method: clinical testing. Allele origin: germline. Affected: yes. Observed: 1 variant allele.
Comment: PIK3CD: BP4, BP7